The following is an entry in ClinVar:

ClinVar aggregate classification (germline): Conflicting classifications of pathogenicity. Review status: criteria provided, conflicting classifications (1 of 4 stars). 14 submissions from 10 submitters: Uncertain significance (3); Benign (6); Likely benign (5). Last evaluated 2026-03-27.

Conditions:
TTN-related disorder. Also called: TTN-related disorders; TTN-related condition; TTN-related disease.
Cardiovascular phenotype. Identifiers: MedGen CN230736.
Autosomal recessive limb-girdle muscular dystrophy type 2J (LGMDR10). Also called: Limb-girdle muscular dystrophy, type 2J; MUSCULAR DYSTROPHY, LIMB-GIRDLE, AUTOSOMAL RECESSIVE 10. Identifiers: Orphanet 140922, MedGen C1837342, MONDO:0012127, OMIM 608807.
Dilated cardiomyopathy 1G (CMD1G). Identifiers: Orphanet 154, MedGen C1858763, MONDO:0011400, OMIM 604145.
Cardiomyopathy (CMYO). Also called: Cardiomyopathies. Identifiers: Orphanet 167848, MedGen C0878544, MONDO:0004994, HP:0001638. Inheritance: Various modes of inheritance.
Tibial muscular dystrophy (TMD). Also called: Udd Distal Myopathy – Tibial Muscular Dystrophy; UDD MYOPATHY; Tibial muscular dystrophy, tardive. Identifiers: Orphanet 609, MedGen C1838244, MONDO:0010870, OMIM 600334.
Early-onset myopathy with fatal cardiomyopathy (CMYO5). Also called: Salih Myopathy; CONGENITAL MYOPATHY 5 WITH CARDIOMYOPATHY. Identifiers: Orphanet 289377, MedGen C2673677, MONDO:0012714, OMIM 611705. Disease mechanism: loss of function.
Myopathy, myofibrillar, 9, with early respiratory failure (MFM9). Also called: EDSTROM MYOPATHY; MYOPATHY, PROXIMAL, WITH EARLY RESPIRATORY MUSCLE INVOLVEMENT; Hereditary myopathy with early respiratory failure; Myopathy, distal, with early respiratory failure, autosomal dominant. Identifiers: Orphanet 178464, Orphanet 34521, MedGen C1863599, MONDO:0011362, OMIM 603689.

Allele frequency attached by ClinVar (database versions not stated): gnomAD 0.00006 and 0.00020; ESP Exome Variant Server 0.00008; TOPMed 0.00008; gnomAD exomes 0.00033 and 0.00070; ExAC 0.00081; 1000 Genomes Project 30x 0.00125; 1000 Genomes Project 0.00140.
gnomAD v4.1: 514 of 1,612,498 alleles (0.032%); highest among the groups gnomAD compares: South Asian, 0.47%; 9 homozygotes.

Submissions (14):

Molecular Diagnostic Laboratory for Inherited Cardiovascular Disease, Montreal Heart Institute
Classification: Likely benign. Last evaluated: 2026-03-27. Review status: criteria provided, single submitter. Criteria: ACMG Guidelines, 2015. Collection method: clinical testing. Allele origin: germline. Affected: no.
Comment: BS1;BP1

Labcorp Genetics (formerly Invitae), Labcorp
Classification: Benign for Dilated cardiomyopathy 1G; Autosomal recessive limb-girdle muscular dystrophy type 2J. Last evaluated: 2025-12-27. Review status: criteria provided, single submitter. Criteria: Invitae Variant Classification Sherloc (09022015). Collection method: clinical testing. Allele origin: germline.

CeGaT Center for Human Genetics Tuebingen
Classification: Likely benign. Last evaluated: 2025-01-01. Review status: criteria provided, single submitter. Criteria: CeGaT Center For Human Genetics Tuebingen Variant Classification Criteria Version 2. Collection method: clinical testing. Allele origin: germline. Affected: yes. Observed: 1 variant allele.
Comment: TTN: BS2

PreventionGenetics, part of Exact Sciences
Classification: Likely benign for TTN-related condition. Last evaluated: 2024-11-15. Review status: criteria provided, single submitter. Criteria: ACMG Guidelines, 2015. Collection method: clinical testing. Allele origin: germline.
Comment: This variant is classified as likely benign based on ACMG/AMP sequence variant interpretation guidelines (Richards et al. 2015 PMID: 25741868, with internal and published modifications).

Laboratory for Molecular Medicine, Mass General Brigham Personalized Medicine
Classification: Benign. Last evaluated: 2019-12-23. Review status: criteria provided, single submitter. Criteria: LMM Criteria. Collection method: clinical testing. Allele origin: germline. Observed: 2 variant alleles.
Comment: The p.Arg15228His variant in TTN is classified as benign because it has been identified in 0.5% (155/30372) of South Asian chromosomes and 6 homozygotes by gnomAD. ACMG/AMP Criteria applied: BA1.

CHEO Genetics Diagnostic Laboratory, Children's Hospital of Eastern Ontario
Classification: Benign for Cardiomyopathy. Last evaluated: 2019-09-13. Review status: criteria provided, single submitter. Criteria: ACMG Guidelines, 2015. Collection method: clinical testing. Allele origin: germline.

Illumina Laboratory Services, Illumina
Classification: Uncertain significance for Dilated cardiomyopathy 1G. Last evaluated: 2018-01-12. Review status: criteria provided, single submitter. Criteria: ICSL Variant Classification Criteria 13 December 2019. Collection method: clinical testing. Allele origin: germline.

Illumina Laboratory Services, Illumina
Classification: Benign for Tibial muscular dystrophy. Last evaluated: 2018-01-12. Review status: criteria provided, single submitter. Criteria: ICSL Variant Classification Criteria 13 December 2019. Collection method: clinical testing. Allele origin: germline.
Comment: This variant was observed in the ICSL laboratory as part of a predisposition screen in an ostensibly healthy population. It had not been previously curated by ICSL or reported in the Human Gene Mutation Database (HGMD: prior to June 1st, 2018), and was therefore a candidate for classification through an automated scoring system. Utilizing variant allele frequency, disease prevalence and penetrance estimates, and inheritance mode, an automated score was calculated to assess if this variant is too frequent to cause the disease. Based on the score and internal cut-off values, a variant classified as benign is not then subjected to further curation. The score for this variant resulted in a classification of benign for this disease.

Illumina Laboratory Services, Illumina
Classification: Uncertain significance for Early-onset myopathy with fatal cardiomyopathy. Last evaluated: 2018-01-12. Review status: criteria provided, single submitter. Criteria: ICSL Variant Classification Criteria 13 December 2019. Collection method: clinical testing. Allele origin: germline.

Illumina Laboratory Services, Illumina
Classification: Uncertain significance for Autosomal recessive limb-girdle muscular dystrophy type 2J. Last evaluated: 2018-01-12. Review status: criteria provided, single submitter. Criteria: ICSL Variant Classification Criteria 13 December 2019. Collection method: clinical testing. Allele origin: germline.

Illumina Laboratory Services, Illumina
Classification: Benign for Myopathy, myofibrillar, 9, with early respiratory failure. Last evaluated: 2018-01-12. Review status: criteria provided, single submitter. Criteria: ICSL Variant Classification Criteria 13 December 2019. Collection method: clinical testing. Allele origin: germline.
Comment: the same text as in the submission from Illumina Laboratory Services, Illumina above.

GeneDx
Classification: Benign. Last evaluated: 2017-06-02. Review status: criteria provided, single submitter. Criteria: GeneDx Variant Classification (06012015). Collection method: clinical testing. Allele origin: germline. Affected: yes.
Comment: This variant is considered likely benign or benign based on one or more of the following criteria: it is a conservative change, it occurs at a poorly conserved position in the protein, it is predicted to be benign by multiple in silico algorithms, and/or has population frequency not consistent with disease.

Ambry Genetics
Classification: Likely benign for Cardiovascular phenotype. Last evaluated: 2016-02-25. Review status: criteria provided, single submitter. Criteria: Ambry Variant Classification Scheme 2023. Collection method: clinical testing. Allele origin: germline.

Eurofins Ntd Llc (ga)
Classification: Likely benign. Last evaluated: 2015-10-02. Review status: criteria provided, single submitter. Criteria: EGL Classification Definitions 2015. Collection method: clinical testing. Allele origin: germline. Observed: 1 variant allele, 1 heterozygote.

NM_001267550.2(TTN):c.53507G>A (p.Arg17836His)

Genes: TTN (titin; minus strand), TTN-AS1 (TTN antisense RNA 1; plus strand). Cytogenetic location: 2q31.2.
Variant type: single nucleotide variant.
Coding change: c.53507G>A on transcript NM_001267550.2 (MANE Select); coding-DNA position 53507, G replaced by A.
Protein change: p.Arg17836His; replaces arginine 17836 with histidine.
Molecular consequence: missense variant.
Genome position (GRCh38, 1-based): chr2:178,607,095, C>T on the plus strand (G>A on the coding strand, the complement: TTN is on the minus strand). VCF-style: chr2-178607095-C-T. GRCh37 (hg19) VCF-style: chr2-179471822-C-T.
Other names: c.48584G>A, p.Arg16195His (NM_001256850.1); c.26312G>A, p.Arg8771His (NM_003319.4); c.45803G>A, p.Arg15268His (NM_133378.4); c.26687G>A, p.Arg8896His (NM_133432.3); c.26888G>A, p.Arg8963His (NM_133437.4); short protein forms R17836H, R15268H, R16195H, R8771H, R8963H, R8896H.
Identifiers: ClinVar variation 283488 (VCV000283488.42), dbSNP rs373526624, ClinGen allele CA1993799.